The following is an entry in ClinVar:

NM_006389.5(HYOU1):c.2165+13A>G

Gene: HYOU1 (hypoxia up-regulated 1; minus strand). Cytogenetic location: 11q23.3.
Variant type: single nucleotide variant.
Coding change: c.2165+13A>G on transcript NM_006389.5 (MANE Select); 13 bases into the intron after coding-DNA position 2165, A replaced by G.
Molecular consequence: intron variant.
Genome position (GRCh38, 1-based): chr11:119,048,701, T>C on the plus strand (A>G on the coding strand, the complement: HYOU1 is on the minus strand). VCF-style: chr11-119048701-T-C. GRCh37 (hg19) VCF-style: chr11-118919413-T-C.
Other names: c.2165+13A>G (NM_001130991.3).
Identifiers: ClinVar variation 1964114 (VCV001964114.5), dbSNP rs965679428, ClinGen allele CA229619132.

ClinVar aggregate classification (germline): Uncertain significance (1 of 4 stars; one submission).

Allele frequency attached by ClinVar (database versions not stated): TOPMed below 0.00001; gnomAD exomes 0.00001.

Submission:

Labcorp Genetics (formerly Invitae), Labcorp
Classification: Uncertain significance. Last evaluated: 2022-08-27. Review status: criteria provided, single submitter. Criteria: Invitae Variant Classification Sherloc (09022015). Collection method: clinical testing. Allele origin: germline.
Comment: This sequence change falls in intron 18 of the HYOU1 gene. It does not directly change the encoded amino acid sequence of the HYOU1 protein. This variant is present in population databases (no rsID available, gnomAD 0.0009%). This variant has not been reported in the literature in individuals affected with HYOU1-related conditions. In summary, the available evidence is currently insufficient to determine the role of this variant in disease. Therefore, it has been classified as a Variant of Uncertain Significance.